The following is an entry in ClinVar:

ClinVar aggregate classification (germline): Uncertain significance. Review status: criteria provided, multiple submitters, no conflicts (2 of 4 stars). 3 submissions from 3 submitters: Uncertain significance (3). Last evaluated 2025-07-20.

Conditions:
Hereditary cancer-predisposing syndrome. Also called: Hereditary Cancer Syndrome; Neoplastic Syndromes, Hereditary; Hereditary neoplastic syndrome; Tumor predisposition. Identifiers: Orphanet 140162, MedGen C0027672, MeSH D009386, MONDO:0015356.
Cardiovascular phenotype. Identifiers: MedGen CN230736.
Neurofibromatosis, type 1 (NF1). Also called: Peripheral type neurofibromatosis; Neurofibromatosis, type I; NEUROFIBROMATOSIS, TYPE I, SOMATIC; VON RECKLINGHAUSEN DISEASE. Identifiers: Orphanet 636, MedGen C0027831, MONDO:0018975, OMIM 162200. Disease mechanism: loss of function.

Allele frequency attached by ClinVar (database versions not stated): TOPMed below 0.00001.

Submissions (3):

Labcorp Genetics (formerly Invitae), Labcorp
Classification: Uncertain significance for Neurofibromatosis, type 1. Last evaluated: 2025-07-20. Review status: criteria provided, single submitter. Criteria: Invitae Variant Classification Sherloc (09022015). Collection method: clinical testing. Allele origin: germline.
Comment: This sequence change replaces aspartic acid, which is acidic and polar, with valine, which is neutral and non-polar, at codon 1060 of the NF1 protein (p.Asp1060Val). This variant is not present in population databases (gnomAD no frequency). This variant has not been reported in the literature in individuals affected with NF1-related conditions. ClinVar contains an entry for this variant (Variation ID: 823094). Invitae Evidence Modeling of protein sequence and biophysical properties (such as structural, functional, and spatial information, amino acid conservation, physicochemical variation, residue mobility, and thermodynamic stability) indicates that this missense variant is expected to disrupt NF1 protein function with a positive predictive value of 95%. In summary, the available evidence is currently insufficient to determine the role of this variant in disease. Therefore, it has been classified as a Variant of Uncertain Significance.

GeneDx
Classification: Uncertain significance. Last evaluated: 2025-02-25. Review status: criteria provided, single submitter. Criteria: GeneDx Variant Classification Process June 2021. Collection method: clinical testing. Allele origin: germline. Affected: yes.
Comment: Not observed at significant frequency in large population cohorts (gnomAD); In silico analysis supports that this missense variant has a deleterious effect on protein structure/function; Has not been previously published as pathogenic or benign to our knowledge

Ambry Genetics
Classification: Uncertain significance for Cardiovascular phenotype; Hereditary cancer-predisposing syndrome. Last evaluated: 2024-01-18. Review status: criteria provided, single submitter. Criteria: Ambry Variant Classification Scheme 2023. Collection method: clinical testing. Allele origin: germline.
Comment: The p.D1060V variant (also known as c.3179A>T), located in coding exon 24 of the NF1 gene, results from an A to T substitution at nucleotide position 3179. The aspartic acid at codon 1060 is replaced by valine, an amino acid with highly dissimilar properties. This amino acid position is highly conserved in available vertebrate species. In addition, the in silico prediction for this alteration is inconclusive. Based on the available evidence, the clinical significance of this alteration remains unclear.

NM_001042492.3(NF1):c.3179A>T (p.Asp1060Val)

Gene: NF1 (neurofibromin 1; plus strand). Cytogenetic location: 17q11.2.
Variant type: single nucleotide variant.
Coding change: c.3179A>T on transcript NM_001042492.3 (MANE Select); coding-DNA position 3179, A replaced by T.
Protein change: p.Asp1060Val; replaces aspartic acid 1060 with valine.
Molecular consequence: missense variant.
Genome position (GRCh38, 1-based): chr17:31,230,907, A>T. VCF-style: chr17-31230907-A-T. GRCh37 (hg19) VCF-style: chr17-29557925-A-T.
Other names: c.3179A>T, p.Asp1060Val (NM_000267.4); short protein forms D1060V.
Identifiers: ClinVar variation 823094 (VCV000823094.8), dbSNP rs1597717664, ClinGen allele CA398988229.